The following is an entry in ClinVar:

NM_198578.4(LRRK2):c.2170A>G (p.Met724Val)

Gene: LRRK2 (leucine rich repeat kinase 2; plus strand). Cytogenetic location: 12q12.
Variant type: single nucleotide variant.
Coding change: c.2170A>G on transcript NM_198578.4 (MANE Select); coding-DNA position 2170, A replaced by G.
Protein change: p.Met724Val; replaces methionine 724 with valine.
Molecular consequence: missense variant.
Genome position (GRCh38, 1-based): chr12:40,278,190, A>G. VCF-style: chr12-40278190-A-G. GRCh37 (hg19) VCF-style: chr12-40671992-A-G.
Other names: short protein forms M724V.
Identifiers: ClinVar variation 2447263 (VCV002447263.2), dbSNP rs1943541458, ClinGen allele CA384405183.

ClinVar aggregate classification (germline): Uncertain significance (1 of 4 stars; one submission).

Conditions:
Inborn genetic diseases. Identifiers: MedGen C0950123, MeSH D030342.

Allele frequency attached by ClinVar (database versions not stated): TOPMed below 0.00001.
gnomAD v4.1: 1 of 1,614,108 alleles (0.000062%); no homozygotes.

Submission:

Ambry Genetics
Classification: Uncertain significance for Inborn genetic diseases. Last evaluated: 2022-11-20. Review status: criteria provided, single submitter. Criteria: Ambry Variant Classification Scheme 2023. Collection method: clinical testing. Allele origin: germline.
Comment: The p.M724V variant (also known as c.2170A>G), located in coding exon 18 of the LRRK2 gene, results from an A to G substitution at nucleotide position 2170. The methionine at codon 724 is replaced by valine, an amino acid with highly similar properties. This amino acid position is conserved. In addition, the in silico prediction for this alteration is inconclusive. Since supporting evidence is limited at this time, the clinical significance of this alteration remains unclear.